The following is an entry in ClinVar:

ClinVar aggregate classification (germline): Pathogenic (1 of 4 stars; one submission).

Submission:

Labcorp Genetics (formerly Invitae), Labcorp
Classification: Pathogenic. Last evaluated: 2022-08-29. Review status: criteria provided, single submitter. Criteria: Invitae Variant Classification Sherloc (09022015). Collection method: clinical testing. Allele origin: germline.
Comment: For these reasons, this variant has been classified as Pathogenic. Experimental studies and prediction algorithms are not available or were not evaluated, and the functional significance of this variant is currently unknown. This variant has not been reported in the literature in individuals affected with CACNA1B-related conditions. This variant is a gross deletion of the genomic region encompassing exon(s) 7-9 of the CACNA1B gene. This deletion is out-of-frame, and is expected to create a premature termination codon and result in an absent or disrupted protein product. Loss-of-function variants in CACNA1B are known to be pathogenic (PMID: 30982612).

Literature cited by the submitters: PubMed 30982612.

NC_000009.11:g.(?_140846706)_(140851299_?)del

Gene: CACNA1B (calcium voltage-gated channel subunit alpha1 B; plus strand). Cytogenetic location: 9q34.3.
Variant type: Deletion.
Identifiers: ClinVar variation 2423356 (VCV002423356.4).